The following is an entry in ClinVar:

NM_006269.2(RP1):c.6098G>T (p.Cys2033Phe)

Gene: RP1 (RP1 axonemal microtubule associated; plus strand). Cytogenetic location: 8q12.1.
Variant type: single nucleotide variant.
Coding change: c.6098G>T on transcript NM_006269.2 (MANE Select); coding-DNA position 6098, G replaced by T.
Protein change: p.Cys2033Phe; replaces cysteine 2033 with phenylalanine.
Molecular consequence: missense variant. On other transcripts: intron variant (1).
Genome position (GRCh38, 1-based): chr8:54,629,980, G>T. VCF-style: chr8-54629980-G-T. GRCh37 (hg19) VCF-style: chr8-55542540-G-T.
Other names: c.787+7692G>T (NM_001375654.1); short protein forms C2033F.
Identifiers: ClinVar variation 864625 (VCV000864625.10), dbSNP rs61739567, ClinGen allele CA4752179.
Genomic context (GRCh38, chr8:54,629,980, plus strand): 5'-TGGGGTTAGAGGAAGAAGGTAATTTAAAGAAATTTCAACCAGATTTGAAGGAAAGGTTTT[G>T]TATGAATTTCTTGCACACATCATTGTTAGTTGTGGGTAATGTGGATTCAAATACACAAGA-3'
Protein context (NP_006260.1, residues 2023-2043): KFQPDLKERF[Cys2033Phe]MNFLHTSLLV

ClinVar aggregate classification (germline): Conflicting classifications of pathogenicity. Review status: criteria provided, conflicting classifications (1 of 4 stars). 3 submissions from 3 submitters: Uncertain significance (2); Likely benign (1). Last evaluated 2026-06-21.

Conditions:
RP1-related disorder. Also called: RP1-related condition.

Allele frequency attached by ClinVar (database versions not stated): 1000 Genomes Project 30x 0.00016.
gnomAD v4.1: 83 of 1,613,844 alleles (0.0051%); highest among the groups gnomAD compares: African/African-American, 0.097%; no homozygotes.

Submissions (3):

PreventionGenetics, part of Exact Sciences
Classification: Uncertain significance for RP1-related condition. Last evaluated: 2026-06-21. Review status: criteria provided, single submitter. Criteria: ACMG Guidelines, 2015. Collection method: clinical testing. Allele origin: germline.
Comment: The RP1 c.6098G>T variant is predicted to result in the amino acid substitution p.Cys2033Phe. To our knowledge, this variant has not been reported in the literature. This variant is reported in 0.11% of alleles in individuals of African descent in gnomAD, which may be too frequent to be a primary cause of disease. Although we suspect that this variant may be benign, at this time, the clinical significance of this variant is uncertain due to the absence of conclusive functional and genetic evidence.

Labcorp Genetics (formerly Invitae), Labcorp
Classification: Uncertain significance. Last evaluated: 2025-09-02. Review status: criteria provided, single submitter. Criteria: Invitae Variant Classification Sherloc (09022015). Collection method: clinical testing. Allele origin: germline.
Comment: This sequence change replaces cysteine, which is neutral and slightly polar, with phenylalanine, which is neutral and non-polar, at codon 2033 of the RP1 protein (p.Cys2033Phe). This variant is present in population databases (rs61739567, gnomAD 0.1%). This variant has not been reported in the literature in individuals affected with RP1-related conditions. ClinVar contains an entry for this variant (Variation ID: 864625). An algorithm developed to predict the effect of missense changes on protein structure and function outputs the following: PolyPhen-2: "Benign". The phenylalanine amino acid residue is found in multiple mammalian species, which suggests that this missense change does not adversely affect protein function. In summary, the available evidence is currently insufficient to determine the role of this variant in disease. Therefore, it has been classified as a Variant of Uncertain Significance.

Blueprint Genetics
Classification: Likely benign. Last evaluated: 2024-08-28. Review status: criteria provided, single submitter. Criteria: ACMG Guidelines, 2015. Collection method: clinical testing. Allele origin: germline.